The following is an entry in ClinVar:

ClinVar aggregate classification (germline): Likely benign. Review status: criteria provided, multiple submitters, no conflicts (2 of 4 stars). 3 submissions from 3 submitters: Likely benign (3). Last evaluated 2025-03-01.

Conditions:
Luscan-Lumish syndrome. Identifiers: Orphanet 597738, MedGen C4085873, MONDO:0014791, OMIM 616831.

Allele frequency attached by ClinVar (database versions not stated): gnomAD 0.00003 and 0.00004; gnomAD exomes 0.00003 and 0.00004; TOPMed 0.00004; ExAC 0.00007.
gnomAD v4.1: 62 of 1,577,396 alleles (0.0039%); highest among the groups gnomAD compares: Non-Finnish European, 0.005%; no homozygotes.

Submissions (3):

CeGaT Center for Human Genetics Tuebingen
Classification: Likely benign. Last evaluated: 2025-03-01. Review status: criteria provided, single submitter. Criteria: CeGaT Center For Human Genetics Tuebingen Variant Classification Criteria Version 2. Collection method: clinical testing. Allele origin: germline. Affected: yes. Observed: 1 variant allele.
Comment: SETD2: BP4, BP7

Labcorp Genetics (formerly Invitae), Labcorp
Classification: Likely benign for Luscan-Lumish syndrome. Last evaluated: 2024-10-15. Review status: criteria provided, single submitter. Criteria: Invitae Variant Classification Sherloc (09022015). Collection method: clinical testing. Allele origin: germline.

Blueprint Genetics
Classification: Likely benign. Last evaluated: 2024-08-26. Review status: criteria provided, single submitter. Criteria: ACMG Guidelines, 2015. Collection method: clinical testing. Allele origin: germline.

NM_014159.7(SETD2):c.1425T>C (p.Ser475=)

Gene: SETD2 (SET domain containing 2, histone lysine methyltransferase; minus strand). Cytogenetic location: 3p21.31.
Variant type: single nucleotide variant.
Coding change: c.1425T>C on transcript NM_014159.7 (MANE Select); coding-DNA position 1425, T replaced by C.
Protein change: p.Ser475=; no amino-acid change (serine 475 retained).
Molecular consequence: synonymous variant. On other transcripts: non-coding transcript variant (1).
Genome position (GRCh38, 1-based): chr3:47,123,211, A>G on the plus strand (T>C on the coding strand, the complement: SETD2 is on the minus strand). VCF-style: chr3-47123211-A-G. GRCh37 (hg19) VCF-style: chr3-47164701-A-G.
Other names: c.1293T>C, p.Ser431= (NM_001349370.3).
Identifiers: ClinVar variation 719817 (VCV000719817.15), dbSNP rs768620219, ClinGen allele CA2363688.